The following is an entry in ClinVar:

ClinVar aggregate classification (germline): Likely pathogenic (1 of 4 stars; one submission).

Conditions:
Osteogenesis imperfecta, perinatal lethal (OI2). Also called: VROLIK TYPE OF OSTEOGENESIS IMPERFECTA; Osteogenesis imperfecta type 2; Osteogenesis imperfecta, dominant perinatal lethal; OSTEOGENESIS IMPERFECTA, TYPE II; OI, TYPE II; OSTEOGENESIS IMPERFECTA CONGENITA. Identifiers: Orphanet 216804, MedGen C0268358, MONDO:0008147, OMIM 166210.

Submission:

Institute of Medical Genetics and Genomics, Sir Ganga Ram Hospital
Classification: Likely pathogenic for Osteogenesis imperfecta, perinatal lethal. Last evaluated: 2022-02-06. Review status: criteria provided, single submitter. Criteria: ACMG Guidelines, 2015. Collection method: clinical testing. Allele origin: germline. Affected: yes. Observed: 1 variant allele.
Comment: They have short stature, multiple fractures and blue sclera.

Literature cited by the submitters: PubMed 12362985; PubMed 6191221; PubMed 27519266.

NM_000089.4(COL1A2):c.279+3A>C

Gene: COL1A2 (collagen type I alpha 2 chain; plus strand). Cytogenetic location: 7q21.3.
Variant type: single nucleotide variant.
Coding change: c.279+3A>C on transcript NM_000089.4 (MANE Select); 3 bases into the intron after coding-DNA position 279, A replaced by C.
Molecular consequence: intron variant.
Genome position (GRCh38, 1-based): chr7:94,401,623, A>C. VCF-style: chr7-94401623-A-C. GRCh37 (hg19) VCF-style: chr7-94030935-A-C.
Identifiers: ClinVar variation 1341503 (VCV001341503.3), dbSNP rs762201938, ClinGen allele CA2573052940.
Genomic context (GRCh38, chr7:94,401,623, plus strand): 5'-CTAGAACTTTGCTGCTCAGTATGATGGAAAAGGAGTTGGACTTGGCCCTGGACCAATGGT[A>C]TGCTTATCTGTTTATCTTAGCCAAAAAAATTGCTAAATAAATCATTCATTTTATGTCACA-3'